The following is an entry in ClinVar:

ClinVar aggregate classification (germline): Uncertain significance (1 of 4 stars; one submission).

Conditions:
Encephalopathy, acute, infection-induced (herpes-specific), susceptibility to, 1. Also called: Herpes simplex encephalitis, susceptibility to, 1. Identifiers: Orphanet 1930, MedGen C2750180, MONDO:0024563, OMIM 610551.

Submission:

Labcorp Genetics (formerly Invitae), Labcorp
Classification: Uncertain significance for Encephalopathy, acute, infection-induced (herpes-specific), susceptibility to, 1. Last evaluated: 2025-10-01. Review status: criteria provided, single submitter. Criteria: Invitae Variant Classification Sherloc (09022015). Collection method: clinical testing. Allele origin: germline.
Comment: This sequence change replaces glutamic acid, which is acidic and polar, with lysine, which is basic and polar, at codon 576 of the TLR3 protein (p.Glu576Lys). This variant is present in population databases (rs762934381, gnomAD 0.02%). This variant has not been reported in the literature in individuals affected with TLR3-related conditions. ClinVar contains an entry for this variant (Variation ID: 3631844). An algorithm developed to predict the effect of missense changes on protein structure and function (PolyPhen-2) suggests that this variant is likely to be disruptive. In summary, the available evidence is currently insufficient to determine the role of this variant in disease. Therefore, it has been classified as a Variant of Uncertain Significance.

NM_003265.3(TLR3):c.1726G>A (p.Glu576Lys)

Gene: TLR3 (toll like receptor 3; plus strand). Cytogenetic location: 4q35.1.
Variant type: single nucleotide variant.
Coding change: c.1726G>A on transcript NM_003265.3 (MANE Select); coding-DNA position 1726, G replaced by A.
Protein change: p.Glu576Lys; replaces glutamic acid 576 with lysine.
Molecular consequence: missense variant.
Genome position (GRCh38, 1-based): chr4:186,083,412, G>A. VCF-style: chr4-186083412-G-A. GRCh37 (hg19) VCF-style: chr4-187004566-G-A.
Other names: short protein forms E576K.
Identifiers: ClinVar variation 3631844 (VCV003631844.2).